The following is an entry in ClinVar:

ClinVar aggregate classification (germline): Uncertain significance. Review status: criteria provided, single submitter (1 of 4 stars). 2 submissions from 2 submitters: Uncertain significance (1). 1 of the submissions does not count toward it. Last evaluated 2024-10-25.

Conditions:
Usher syndrome type 1F (USH1F). Also called: USHER SYNDROME, TYPE IF. Identifiers: Orphanet 231169, Orphanet 886, MedGen C1865885, MONDO:0011186, OMIM 602083.

Allele frequency attached by ClinVar (database versions not stated): gnomAD 0.00001; TOPMed 0.00002; gnomAD exomes 0.00004; ExAC 0.00007.
gnomAD v4.1: 44 of 1,613,990 alleles (0.0027%); highest among the groups gnomAD compares: South Asian, 0.04%; 1 homozygote.

Submissions (2):

Labcorp Genetics (formerly Invitae), Labcorp
Classification: Uncertain significance. Last evaluated: 2024-10-25. Review status: criteria provided, single submitter. Criteria: Invitae Variant Classification Sherloc (09022015). Collection method: clinical testing. Allele origin: germline.
Comment: This sequence change replaces alanine, which is neutral and non-polar, with glycine, which is neutral and non-polar, at codon 1422 of the PCDH15 protein (p.Ala1422Gly). This variant is present in population databases (rs772491935, gnomAD 0.04%). This variant has not been reported in the literature in individuals affected with PCDH15-related conditions. ClinVar contains an entry for this variant (Variation ID: 990222). Invitae Evidence Modeling of protein sequence and biophysical properties (such as structural, functional, and spatial information, amino acid conservation, physicochemical variation, residue mobility, and thermodynamic stability) indicates that this missense variant is not expected to disrupt PCDH15 protein function with a negative predictive value of 95%. In summary, the available evidence is currently insufficient to determine the role of this variant in disease. Therefore, it has been classified as a Variant of Uncertain Significance.

Natera, Inc.
Classification: Uncertain significance for Usher syndrome type 1F. Last evaluated: 2020-08-14. Review status: no assertion criteria provided. Collection method: clinical testing. Allele origin: germline. Not counted in ClinVar's aggregate classification.

NM_001384140.1(PCDH15):c.4265C>G (p.Ala1422Gly)

Gene: PCDH15 (protocadherin related 15; minus strand). Cytogenetic location: 10q21.1.
Variant type: single nucleotide variant.
Coding change: c.4265C>G on transcript NM_001384140.1 (MANE Select); coding-DNA position 4265, C replaced by G.
Protein change: p.Ala1422Gly; replaces alanine 1422 with glycine.
Molecular consequence: missense variant.
Genome position (GRCh38, 1-based): chr10:53,827,495, G>C on the plus strand (C>G on the coding strand, the complement: PCDH15 is on the minus strand). VCF-style: chr10-53827495-G-C. GRCh37 (hg19) VCF-style: chr10-55587255-G-C.
Other names: c.4280C>G, p.Ala1427Gly (NM_001142763.2, NM_001142771.2); c.4265C>G, p.Ala1422Gly (NM_001142764.2, NM_001142770.3, NM_001142772.2 and 3 more transcripts); c.4052C>G, p.Ala1351Gly (NM_001142765.2); c.4256C>G, p.Ala1419Gly (NM_001142766.2); c.4145C>G, p.Ala1382Gly (NM_001142767.2); c.4199C>G, p.Ala1400Gly (NM_001142768.2, NM_001354404.2); c.4301C>G, p.Ala1434Gly (NM_001142769.4); c.4190C>G, p.Ala1397Gly (NM_001142773.2); and 1 more; short protein forms A1351G, A1382G, A1397G, A1400G, A1419G, A1422G, A1427G, A1429G.
Identifiers: ClinVar variation 990222 (VCV000990222.3), dbSNP rs772491935, ClinGen allele CA5505385.
Genomic context (GRCh38, chr10:53,827,495, plus strand): 5'-GGAGGCGGCGGCGGCGGCGGGGGCGCTGCCACTGGTGCAGGAGCCGGCACTGCTGGTTTA[G>C]CCGCGGGTAATGCGGCCTGAATTCGTGCAGTCTTTGTACACTCAGCTTGACGTCTTGGAT-3'
Protein context (NP_001371069.1, residues 1412-1432): TARIQAALPA[Ala1422Gly]KPAVPAPAPV